The following is an entry in ClinVar:

ClinVar aggregate classification (germline): Conflicting classifications of pathogenicity. Review status: criteria provided, conflicting classifications (1 of 4 stars). 2 submissions from 2 submitters: Uncertain significance (1); Likely benign (1). Last evaluated 2024-10-10.

Conditions:
Autosomal recessive limb-girdle muscular dystrophy type 2J (LGMDR10). Also called: Limb-girdle muscular dystrophy, type 2J; MUSCULAR DYSTROPHY, LIMB-GIRDLE, AUTOSOMAL RECESSIVE 10. Identifiers: Orphanet 140922, MedGen C1837342, MONDO:0012127, OMIM 608807.
Dilated cardiomyopathy 1G (CMD1G). Identifiers: Orphanet 154, MedGen C1858763, MONDO:0011400, OMIM 604145.
Cardiovascular phenotype. Identifiers: MedGen CN230736.

Allele frequency attached by ClinVar (database versions not stated): gnomAD 0.00001; TOPMed 0.00001.
gnomAD v4.1: 1 of 1,570,126 alleles (0.000064%); highest among the groups gnomAD compares: African/African-American, 0.0014%; no homozygotes.

Submissions (2):

Labcorp Genetics (formerly Invitae), Labcorp
Classification: Likely benign for Dilated cardiomyopathy 1G; Autosomal recessive limb-girdle muscular dystrophy type 2J. Last evaluated: 2024-10-10. Review status: criteria provided, single submitter. Criteria: Invitae Variant Classification Sherloc (09022015). Collection method: clinical testing. Allele origin: germline.

Ambry Genetics
Classification: Uncertain significance for Cardiovascular phenotype. Last evaluated: 2020-07-28. Review status: criteria provided, single submitter. Criteria: Ambry Variant Classification Scheme 2023. Collection method: clinical testing. Allele origin: germline.
Comment: The c.69116-4T>C intronic variant results from a T to C substitution 4 nucleotides upstream from coding exon 174 in the TTN gene. This nucleotide position is well conserved in available vertebrate species. In silico splice site analysis predicts that this alteration will not have any significant effect on splicing. Since supporting evidence is limited at this time, the clinical significance of this alteration remains unclear.

NM_001267550.2(TTN):c.96311-4T>C

Genes: TTN-AS1 (TTN antisense RNA 1; plus strand), TTN (titin; minus strand), LOC126806421 (CDK7 strongly-dependent group 2 enhancer GRCh37_chr2:179407630-179408829; plus strand). Cytogenetic location: 2q31.2.
Variant type: single nucleotide variant.
Coding change: c.96311-4T>C on transcript NM_001267550.2 (MANE Select); 4 bases into the intron before coding-DNA position 96311, T replaced by C.
Molecular consequence: intron variant.
Genome position (GRCh38, 1-based): chr2:178,543,666, A>G on the plus strand (T>C on the coding strand, the complement: TTN is on the minus strand). VCF-style: chr2-178543666-A-G. GRCh37 (hg19) VCF-style: chr2-179408393-A-G.
Other names: c.69116-4T>C (NM_003319.4); c.69692-4T>C (NM_133437.4); c.69491-4T>C (NM_133432.3); c.88607-4T>C (NM_133378.4); c.91388-4T>C (NM_001256850.1).
Identifiers: ClinVar variation 535413 (VCV000535413.11), dbSNP rs1553518208, ClinGen allele CA658795968.